The following is an entry in ClinVar:

ClinVar aggregate classification (germline): Pathogenic (1 of 4 stars; one submission).

Conditions:
GRHL2-related disorder. Also called: GRHL2-related condition; GRHL2-related disorders.

Submission:

Women's Health and Genetics/Laboratory Corporation of America, LabCorp
Classification: Pathogenic for GRHL2-Related Disorders. Last evaluated: 2025-07-16. Review status: criteria provided, single submitter. Criteria: LabCorp Variant Classification Summary - May 2015. Collection method: clinical testing. Allele origin: germline.
Comment: Variant summary: GRHL2 c.759delA (p.Ala254ProfsX14) results in a premature termination codon, predicted to cause a truncation of the encoded protein or absence of the protein due to nonsense mediated decay, which are commonly known mechanisms for disease. The variant was absent in 251434 control chromosomes. To our knowledge, no occurrence of c.759delA in individuals affected with GRHL2-Related Disorders and no experimental evidence demonstrating its impact on protein function have been reported. No submitters have cited clinical-significance assessments for this variant to ClinVar. Based on the evidence outlined above, the variant was classified as pathogenic.

NM_024915.4(GRHL2):c.759del (p.Ala254fs)

Gene: GRHL2 (grainyhead like transcription factor 2; plus strand). Cytogenetic location: 8q22.3.
Variant type: Deletion.
Coding change: c.759del on transcript NM_024915.4 (MANE Select); coding-DNA position 759, one base deleted (A; older notation c.759delA).
Protein change: p.Ala254fs; shifts the reading frame from alanine 254.
Molecular consequence: frameshift variant.
Genome position (GRCh38, 1-based): chr8:101,573,692, A deleted; the last of 2 consecutive A bases (chr8:101,573,691-101,573,692); deleting either gives the same sequence. VCF-style (leftmost placement, unchanged base first): chr8-101573690-GA-G. GRCh37 (hg19) VCF-style: chr8-102585918-GA-G.
Other names: c.711del, p.Ala238fs (NM_001330593.2, NM_001440448.1); c.759del, p.Ala254fs (NM_001440447.1); c.759delA (NM_024915.4); short protein forms A238fs, A254fs.
Identifiers: ClinVar variation 4525864 (VCV004525864.1).